The following is an entry in ClinVar:

ClinVar aggregate classification (germline): Uncertain significance. Review status: criteria provided, multiple submitters, no conflicts (2 of 4 stars). 3 submissions from 3 submitters: Uncertain significance (3). Last evaluated 2025-02-25.

Conditions:
Hereditary cancer-predisposing syndrome. Also called: Hereditary Cancer Syndrome; Hereditary neoplastic syndrome; Neoplastic Syndromes, Hereditary; Tumor predisposition. Identifiers: Orphanet 140162, MedGen C0027672, MeSH D009386, MONDO:0015356.

Submissions (3):

Labcorp Genetics (formerly Invitae), Labcorp
Classification: Uncertain significance. Last evaluated: 2025-02-25. Review status: criteria provided, single submitter. Criteria: Invitae Variant Classification Sherloc (09022015). Collection method: clinical testing. Allele origin: germline.
Comment: This sequence change replaces isoleucine, which is neutral and non-polar, with threonine, which is neutral and polar, at codon 172 of the MSH3 protein (p.Ile172Thr). This variant is not present in population databases (gnomAD no frequency). This variant has not been reported in the literature in individuals affected with MSH3-related conditions. ClinVar contains an entry for this variant (Variation ID: 1692675). An algorithm developed to predict the effect of missense changes on protein structure and function (PolyPhen-2) suggests that this variant is likely to be tolerated. In summary, the available evidence is currently insufficient to determine the role of this variant in disease. Therefore, it has been classified as a Variant of Uncertain Significance.

GeneDx
Classification: Uncertain significance. Last evaluated: 2024-12-06. Review status: criteria provided, single submitter. Criteria: GeneDx Variant Classification Process June 2021. Collection method: clinical testing. Allele origin: germline. Affected: yes.
Comment: Not observed at significant frequency in large population cohorts (gnomAD); In silico analysis indicates that this missense variant does not alter protein structure/function; Has not been previously published as pathogenic or benign to our knowledge

Sema4
Classification: Uncertain significance for Hereditary cancer-predisposing syndrome. Last evaluated: 2022-02-25. Review status: criteria provided, single submitter. Criteria: Sema4 Curation Guidelines. Collection method: curation. Allele origin: germline.
Comment: The MSH3 c.515T>C (p.I172T) variant has not been reported in the literature to our knowledge. This variant is not reported in the population database Genome Aggregation Database (PMID: 32461654) nor in ClinVar. Functional studies have not been performed, and in silico predictions of the variant's effect on protein function are inconclusive. The evidence is insufficient to meet ACMG/AMP criteria for classifying the variant as benign or pathogenic. Thus, the clinical significance of this variant is currently uncertain.

NM_002439.5(MSH3):c.515T>C (p.Ile172Thr)

Gene: MSH3 (mutS homolog 3; plus strand). Cytogenetic location: 5q14.1.
Variant type: single nucleotide variant.
Coding change: c.515T>C on transcript NM_002439.5 (MANE Select); coding-DNA position 515, T replaced by C.
Protein change: p.Ile172Thr; replaces isoleucine 172 with threonine.
Molecular consequence: missense variant.
Genome position (GRCh38, 1-based): chr5:80,665,299, T>C. VCF-style: chr5-80665299-T-C. GRCh37 (hg19) VCF-style: chr5-79961118-T-C.
Other names: short protein forms I172T.
Identifiers: ClinVar variation 1692675 (VCV001692675.5), dbSNP rs2112808904, ClinGen allele CA360264105.
Genomic context (GRCh38, chr5:80,665,299, plus strand): 5'-AGACAGAATCTCTGCAGGAGAGATTTGCAGTTCTGCCAAAATGTACTGATTTTGATGATA[T>C]CAGTCTTCTACACGCAAAGAATGCAGTTTCTTCTGAAGATTCGAAACGTCAAATTAATCA-3'
Protein context (NP_002430.3, residues 162-182): VLPKCTDFDD[Ile172Thr]SLLHAKNAVS